The following is an entry in ClinVar:

ClinVar aggregate classification (germline): Pathogenic (1 of 4 stars; one submission).

Conditions:
Cholestanol storage disease (CTX). Also called: Cerebrotendinous Xanthomatosis; CEREBRAL CHOLESTERINOSIS; CTX: Cerebrotendinous xanthomatosis. Identifiers: Orphanet 909, MedGen C0238052, MONDO:0008948, OMIM 213700.

Submission:

Labcorp Genetics (formerly Invitae), Labcorp
Classification: Pathogenic for Cholestanol storage disease. Last evaluated: 2023-04-09. Review status: criteria provided, single submitter. Criteria: Invitae Variant Classification Sherloc (09022015). Collection method: clinical testing. Allele origin: germline.
Comment: This sequence change creates a premature translational stop signal (p.Tyr155*) in the CYP27A1 gene. It is expected to result in an absent or disrupted protein product. Loss-of-function variants in CYP27A1 are known to be pathogenic (PMID: 9392430, 10775536, 26937392). This variant is not present in population databases (gnomAD no frequency). For these reasons, this variant has been classified as Pathogenic. This variant has not been reported in the literature in individuals affected with CYP27A1-related conditions.

Literature cited by the submitters: PubMed 9392430; PubMed 10775536; PubMed 26937392.

NM_000784.4(CYP27A1):c.465C>A (p.Tyr155Ter)

Gene: CYP27A1 (cytochrome P450 family 27 subfamily A member 1; plus strand). Cytogenetic location: 2q35.
Variant type: single nucleotide variant.
Coding change: c.465C>A on transcript NM_000784.4 (MANE Select); coding-DNA position 465, C replaced by A.
Protein change: p.Tyr155Ter; replaces tyrosine 155 with a stop codon.
Molecular consequence: nonsense.
Genome position (GRCh38, 1-based): chr2:218,812,240, C>A. VCF-style: chr2-218812240-C-A. GRCh37 (hg19) VCF-style: chr2-219676963-C-A.
Other names: short protein forms Y155*.
Identifiers: ClinVar variation 2882430 (VCV002882430.3), dbSNP rs553140875, ClinGen allele CA350584803.
Genomic context (GRCh38, chr2:218,812,240, plus strand): 5'-CATAGAGGCTTATCTTTGTGCTGTTCCTCTGCGTCCCTGCAGGGAAGGACACCACTGGTA[C>A]CAGCTGCGCCAGGCTCTGAACCAGCGGTTGCTGAAGCCAGCGGAAGCAGCGCTCTATACG-3'